The following is an entry in ClinVar:

NM_020458.4(TTC7A):c.1988C>T (p.Thr663Ile)

Gene: TTC7A (tetratricopeptide repeat domain 7A; plus strand). Cytogenetic location: 2p21.
Variant type: single nucleotide variant.
Coding change: c.1988C>T on transcript NM_020458.4 (MANE Select); coding-DNA position 1988, C replaced by T.
Protein change: p.Thr663Ile; replaces threonine 663 with isoleucine.
Molecular consequence: missense variant.
Genome position (GRCh38, 1-based): chr2:47,050,017, C>T. VCF-style: chr2-47050017-C-T. GRCh37 (hg19) VCF-style: chr2-47277156-C-T.
Other names: c.2060C>T, p.Thr687Ile (NM_001288951.2); c.1886C>T, p.Thr629Ile (NM_001288953.2); c.926C>T, p.Thr309Ile (NM_001288955.2); short protein forms T309I, T629I, T663I, T687I.
Identifiers: ClinVar variation 1023146 (VCV001023146.9), dbSNP rs1682713994, ClinGen allele CA346713050.
Genomic context (GRCh38, chr2:47,050,017, plus strand): 5'-AAAAGGATGGCAGCTTCGGTGAGGGCCTCACCATGAAGAAGCAGAGTGGCATGCACCTGA[C>T]TTTGCCTGATGCCCATGATGCAGACTCTGGTAAGAACGAGCTCCTTGGGCCACTGTGTGC-3'
Protein context (NP_065191.2, residues 653-673): TMKKQSGMHL[Thr663Ile]LPDAHDADSG

ClinVar aggregate classification (germline): Uncertain significance (1 of 4 stars; one submission).

Conditions:
Multiple gastrointestinal atresias. Also called: FAMILIAL INTESTINAL POLYATRESIA SYNDROME; Multiple intestinal atresia. Identifiers: Orphanet 2300, MedGen C0220744, MONDO:0009465.

Submission:

Labcorp Genetics (formerly Invitae), Labcorp
Classification: Uncertain significance for Multiple gastrointestinal atresias. Last evaluated: 2022-04-23. Review status: criteria provided, single submitter. Criteria: Invitae Variant Classification Sherloc (09022015). Collection method: clinical testing. Allele origin: germline.
Comment: In summary, the available evidence is currently insufficient to determine the role of this variant in disease. Therefore, it has been classified as a Variant of Uncertain Significance. Algorithms developed to predict the effect of missense changes on protein structure and function are either unavailable or do not agree on the potential impact of this missense change (SIFT: "Deleterious"; PolyPhen-2: "Benign"; Align-GVGD: "Class C0"). ClinVar contains an entry for this variant (Variation ID: 1023146). This variant has not been reported in the literature in individuals affected with TTC7A-related conditions. This variant is not present in population databases (gnomAD no frequency). This sequence change replaces threonine, which is neutral and polar, with isoleucine, which is neutral and non-polar, at codon 663 of the TTC7A protein (p.Thr663Ile).